The following is an entry in ClinVar:

ClinVar aggregate classification (germline): Benign/Likely benign. Review status: criteria provided, multiple submitters, no conflicts (2 of 4 stars). 3 submissions from 3 submitters: Benign (1); Likely benign (1). 1 of the submissions does not count toward it. Last evaluated 2025-04-30.

Conditions:
CDK5-related disorder. Also called: CDK5-related condition.

Allele frequency attached by ClinVar (database versions not stated): TOPMed 0.00006; gnomAD 0.00013; gnomAD exomes 0.00019; ExAC 0.00053; 1000 Genomes Project 30x 0.00078; 1000 Genomes Project 0.00100.
gnomAD v4.1: 301 of 1,612,308 alleles (0.019%); highest among the groups gnomAD compares: South Asian, 0.28%; 1 homozygote.

Submissions (3):

Labcorp Genetics (formerly Invitae), Labcorp
Classification: Benign. Last evaluated: 2025-04-30. Review status: criteria provided, single submitter. Criteria: Invitae Variant Classification Sherloc (09022015). Collection method: clinical testing. Allele origin: germline.

Blueprint Genetics
Classification: Likely benign. Last evaluated: 2024-04-22. Review status: criteria provided, single submitter. Criteria: ACMG Guidelines, 2015. Collection method: clinical testing. Allele origin: germline.

PreventionGenetics, part of Exact Sciences
Classification: Likely benign for CDK5-related condition. Last evaluated: 2021-05-06. Review status: no assertion criteria provided. Collection method: clinical testing. Allele origin: germline. Not counted in ClinVar's aggregate classification.
Comment: This variant is classified as likely benign based on ACMG/AMP sequence variant interpretation guidelines (Richards et al. 2015 PMID: 25741868, with internal and published modifications).

NM_004935.4(CDK5):c.216C>T (p.Ser72=)

Gene: CDK5 (cyclin dependent kinase 5; minus strand). Cytogenetic location: 7q36.1.
Variant type: single nucleotide variant.
Coding change: c.216C>T on transcript NM_004935.4 (MANE Select); coding-DNA position 216, C replaced by T.
Protein change: p.Ser72=; no amino-acid change (serine 72 retained).
Molecular consequence: synonymous variant.
Genome position (GRCh38, 1-based): chr7:151,056,775, G>A on the plus strand (C>T on the coding strand, the complement: CDK5 is on the minus strand). VCF-style: chr7-151056775-G-A. GRCh37 (hg19) VCF-style: chr7-150753862-G-A.
Other names: c.216C>T, p.Ser72= (NM_001164410.3).
Identifiers: ClinVar variation 3037083 (VCV003037083.4), dbSNP rs531146226, ClinGen allele CA4570564.
Genomic context (GRCh38, chr7:151,056,775, plus strand): 5'-CCTCCAAACCCCGCCTTTCACCTGGTCACAGAATTCAAAAACCAAAGTCAGCTTCTTGTC[G>A]CTGTGCAGGACGTCATGAAGCCTAGGGCAAAAGAAGGGCTCAGCCAGGCAGGTCCGCCTG-3'
Protein context (NP_004926.1, residues 62-82): NIVRLHDVLH[Ser72=]DKKLTLVFEF